The following is an entry in ClinVar:

ClinVar aggregate classification (germline): Uncertain significance (1 of 4 stars; one submission).

Conditions:
Werner syndrome (WRN). Identifiers: Orphanet 902, MedGen C0043119, MONDO:0010196, OMIM 277700.

Submission:

Labcorp Genetics (formerly Invitae), Labcorp
Classification: Uncertain significance for Werner syndrome. Last evaluated: 2023-03-10. Review status: criteria provided, single submitter. Criteria: Invitae Variant Classification Sherloc (09022015). Collection method: clinical testing. Allele origin: germline.
Comment: This sequence change replaces arginine, which is basic and polar, with serine, which is neutral and polar, at codon 1427 of the WRN protein (p.Arg1427Ser). This variant is not present in population databases (gnomAD no frequency). This variant has not been reported in the literature in individuals affected with WRN-related conditions. ClinVar contains an entry for this variant (Variation ID: 998473). An algorithm developed to predict the effect of missense changes on protein structure and function (PolyPhen-2) suggests that this variant is likely to be tolerated. In summary, the available evidence is currently insufficient to determine the role of this variant in disease. Therefore, it has been classified as a Variant of Uncertain Significance.

NM_000553.6(WRN):c.4281G>T (p.Arg1427Ser)

Genes: WRN (WRN RecQ like helicase; plus strand), LOC126860342 (MED14-independent group 3 enhancer GRCh37_chr8:31029565-31030764; plus strand). Cytogenetic location: 8p12.
Variant type: single nucleotide variant.
Coding change: c.4281G>T on transcript NM_000553.6 (MANE Select); coding-DNA position 4281, G replaced by T.
Protein change: p.Arg1427Ser; replaces arginine 1427 with serine.
Molecular consequence: missense variant.
Genome position (GRCh38, 1-based): chr8:31,173,084, G>T. VCF-style: chr8-31173084-G-T. GRCh37 (hg19) VCF-style: chr8-31030600-G-T.
Other names: short protein forms R1427S.
Identifiers: ClinVar variation 998473 (VCV000998473.3), dbSNP rs1804164636, ClinGen allele CA370911900.